The following is an entry in ClinVar:

ClinVar aggregate classification (germline): Uncertain significance (1 of 4 stars; one submission).

Conditions:
Hereditary cancer-predisposing syndrome. Also called: Neoplastic Syndromes, Hereditary; Tumor predisposition; Hereditary neoplastic syndrome; Hereditary Cancer Syndrome. Identifiers: Orphanet 140162, MedGen C0027672, MeSH D009386, MONDO:0015356.

Submission:

Ambry Genetics
Classification: Uncertain significance for Hereditary cancer-predisposing syndrome. Last evaluated: 2026-07-06. Review status: criteria provided, single submitter. Criteria: Ambry Variant Classification Scheme 2023. Collection method: clinical testing. Allele origin: germline.
Comment: The p.H123R variant (also known as c.368A>G), located in coding exon 5 of the SDHC gene, results from an A to G substitution at nucleotide position 368. The histidine at codon 123 is replaced by arginine, an amino acid with highly similar properties. This amino acid position is conserved. In addition, this alteration is predicted to be tolerated by in silico analysis. Based on the available evidence, the clinical significance of this variant remains unclear.

NM_003001.5(SDHC):c.*22A>G

Gene: SDHC (succinate dehydrogenase complex subunit C; plus strand). Cytogenetic location: 1q23.3.
Variant type: single nucleotide variant.
Coding change: c.*22A>G on transcript NM_003001.5 (MANE Select); 22 bases downstream of the stop codon, A replaced by G.
Molecular consequence: 3 prime UTR variant. On other transcripts: missense variant (3), non-coding transcript variant (1).
Genome position (GRCh38, 1-based): chr1:161,362,455, A>G. VCF-style: chr1-161362455-A-G. GRCh37 (hg19) VCF-style: chr1-161332245-A-G.
Other names: c.368A>G, p.His123Arg (NM_001035511.3); c.*22A>G (NM_001035512.3, NM_001035513.3, NM_001407115.1 and 5 more transcripts); c.266A>G, p.His89Arg (NM_001278172.3); c.311A>G, p.His104Arg (NM_001407121.1); short protein forms H123R, H89R, H104R.
Identifiers: ClinVar variation 5029340 (VCV005029340.1).